The following is an entry in ClinVar:

ClinVar aggregate classification (germline): Benign (3 of 4 stars; one submission).

Conditions:
Breast-ovarian cancer, familial, susceptibility to, 2 (BROVCA2). Also called: BRCA2 Hereditary Breast and Ovarian Cancer. Identifiers: Orphanet 145, MedGen C2675520, MONDO:0012933, OMIM 612555. Disease mechanism: loss of function.

Allele frequency attached by ClinVar (database versions not stated): TOPMed 0.00141; 1000 Genomes Project 30x 0.00375; 1000 Genomes Project 0.00379.
gnomAD v4.1: 92 of 152,316 alleles (0.06%); highest among the groups gnomAD compares: East Asian, 1.7%; 2 homozygotes.

Submission:

Evidence-based Network for the Interpretation of Germline Mutant Alleles (ENIGMA)
Classification: Benign for Breast-ovarian cancer, familial, susceptibility to, 2. Last evaluated: 2016-09-28. Review status: reviewed by expert panel. Criteria: ENIGMA BRCA1/2 Classification Criteria (2015). Collection method: curation. Allele origin: germline.
Comment: Class 1 not pathogenic based on frequency >1% in an outbred sampleset. Frequency 0.0188 (East Asian), derived from 1000 genomes (2013-05-02).

NM_000059.4(BRCA2):c.9257-377T>A

Gene: BRCA2 (BRCA2 DNA repair associated; plus strand). Cytogenetic location: 13q13.1.
Variant type: single nucleotide variant.
Coding change: c.9257-377T>A on transcript NM_000059.4 (MANE Select); 377 bases into the intron before coding-DNA position 9257, T replaced by A.
Molecular consequence: intron variant.
Genome position (GRCh38, 1-based): chr13:32,394,312, T>A. VCF-style: chr13-32394312-T-A. GRCh37 (hg19) VCF-style: chr13-32968449-T-A.
Identifiers: ClinVar variation 264881 (VCV000264881.1), dbSNP rs144839924, ClinGen allele CA10588173.
Genomic context (GRCh38, chr13:32,394,312, plus strand): 5'-CCTTGTTCATAGGTGTTTTCATGAACTTTATGTTCATGTGTATTTTACTATTATTAGAGG[T>A]CTATCTTCAGAGAGGAGTACAAGAAATGGGATTACTGGGTGCAAAGGTAAATGGATATGT-3'